The following is an entry in ClinVar:

ClinVar aggregate classification (germline): Pathogenic. Review status: criteria provided, multiple submitters, no conflicts (2 of 4 stars). 2 submissions from 2 submitters: Pathogenic (2). Last evaluated 2025-11-12.

Conditions:
Hereditary cancer-predisposing syndrome. Also called: Neoplastic Syndromes, Hereditary; Hereditary neoplastic syndrome; Tumor predisposition; Hereditary Cancer Syndrome. Identifiers: Orphanet 140162, MedGen C0027672, MeSH D009386, MONDO:0015356.
Cardiovascular phenotype. Identifiers: MedGen CN230736.
Neurofibromatosis, type 1 (NF1). Also called: Peripheral type neurofibromatosis; VON RECKLINGHAUSEN DISEASE; NEUROFIBROMATOSIS, TYPE I, SOMATIC; Neurofibromatosis, type I. Identifiers: Orphanet 636, MedGen C0027831, MONDO:0018975, OMIM 162200. Disease mechanism: loss of function.

Submissions (2):

Ambry Genetics
Classification: Pathogenic for Cardiovascular phenotype; Hereditary cancer-predisposing syndrome. Last evaluated: 2025-11-12. Review status: criteria provided, single submitter. Criteria: Ambry Variant Classification Scheme 2023. Collection method: clinical testing. Allele origin: germline.
Comment: The p.K2028* pathogenic mutation (also known as c.6082A>T), located in coding exon 40 of the NF1 gene, results from an A to T substitution at nucleotide position 6082. This changes the amino acid from a lysine to a stop codon within coding exon 40. This variant was reported in individual(s) with features consistent with neurofibromatosis type 1 (Ambry internal data). This variant is considered to be rare based on population cohorts in the Genome Aggregation Database (gnomAD). This alteration is expected to result in loss of function by premature protein truncation or nonsense-mediated mRNA decay. As such, this alteration is interpreted as a disease-causing mutation.

Labcorp Genetics (formerly Invitae), Labcorp
Classification: Pathogenic for Neurofibromatosis, type 1. Last evaluated: 2024-05-21. Review status: criteria provided, single submitter. Criteria: Invitae Variant Classification Sherloc (09022015). Collection method: clinical testing. Allele origin: germline.
Comment: This sequence change creates a premature translational stop signal (p.Lys2028*) in the NF1 gene. It is expected to result in an absent or disrupted protein product. Loss-of-function variants in NF1 are known to be pathogenic (PMID: 10712197, 23913538). This variant is not present in population databases (gnomAD no frequency). This variant has not been reported in the literature in individuals affected with NF1-related conditions. For these reasons, this variant has been classified as Pathogenic.

Literature cited by the submitters: PubMed 10712197 (cited by Labcorp Genetics (formerly Invitae), Labcorp); PubMed 23913538 (cited by Labcorp Genetics (formerly Invitae), Labcorp).

NM_001042492.3(NF1):c.6145A>T (p.Lys2049Ter)

Gene: NF1 (neurofibromin 1; plus strand). Cytogenetic location: 17q11.2.
Variant type: single nucleotide variant.
Coding change: c.6145A>T on transcript NM_001042492.3 (MANE Select); coding-DNA position 6145, A replaced by T.
Protein change: p.Lys2049Ter; replaces lysine 2049 with a stop codon.
Molecular consequence: nonsense.
Genome position (GRCh38, 1-based): chr17:31,336,471, A>T. VCF-style: chr17-31336471-A-T. GRCh37 (hg19) VCF-style: chr17-29663489-A-T.
Other names: c.6082A>T, p.Lys2028Ter (NM_000267.4); short protein forms K2049*, K2028*.
Identifiers: ClinVar variation 3654060 (VCV003654060.4).